The following is an entry in ClinVar:

ClinVar aggregate classification (germline): Uncertain significance (1 of 4 stars; one submission).

Submission:

Ambry Genetics
Classification: Uncertain significance. Last evaluated: 2023-05-19. Review status: criteria provided, single submitter. Criteria: Ambry Variant Classification Scheme 2023. Collection method: clinical testing. Allele origin: germline.
Comment: The p.W994L variant (also known as c.2981G>T), located in coding exon 26 of the PRKDC gene, results from a G to T substitution at nucleotide position 2981. The tryptophan at codon 994 is replaced by leucine, an amino acid with similar properties. This amino acid position is conserved. In addition, this alteration is predicted to be deleterious by in silico analysis. Since supporting evidence is limited at this time, the clinical significance of this alteration remains unclear.

NM_006904.7(PRKDC):c.2981G>T (p.Trp994Leu)

Gene: PRKDC (protein kinase, DNA-activated, catalytic subunit; minus strand). Cytogenetic location: 8q11.21.
Variant type: single nucleotide variant.
Coding change: c.2981G>T on transcript NM_006904.7 (MANE Select); coding-DNA position 2981, G replaced by T.
Protein change: p.Trp994Leu; replaces tryptophan 994 with leucine.
Molecular consequence: missense variant.
Genome position (GRCh38, 1-based): chr8:47,904,930, C>A on the plus strand (G>T on the coding strand, the complement: PRKDC is on the minus strand). VCF-style: chr8-47904930-C-A. GRCh37 (hg19) VCF-style: chr8-48817490-C-A.
Other names: c.2981G>T, p.Trp994Leu (NM_001081640.2); short protein forms W994L.
Identifiers: ClinVar variation 2560688 (VCV002560688.2), dbSNP rs2551875899, ClinGen allele CA371157453.
Genomic context (GRCh38, chr8:47,904,930, plus strand): 5'-AATATAGCTTCTAGTAAGGCAACAGTATCCTGACTTTCAAATTTCTTGTTGTTAGTGAAC[C>A]AGTGAATCAGCTGCATAACTAGTGGCTCATACAGTTGCCTTGTCACCTGAAGAAACAATA-3'
Protein context (NP_008835.5, residues 984-1004): YEPLVMQLIH[Trp994Leu]FTNNKKFESQ